The following is an entry in ClinVar:

NM_181523.3(PIK3R1):c.2147A>T (p.Tyr716Phe)

Gene: PIK3R1 (phosphoinositide-3-kinase regulatory subunit 1; plus strand). Cytogenetic location: 5q13.1.
Variant type: single nucleotide variant.
Coding change: c.2147A>T on transcript NM_181523.3 (MANE Select); coding-DNA position 2147, A replaced by T.
Protein change: p.Tyr716Phe; replaces tyrosine 716 with phenylalanine.
Molecular consequence: missense variant.
Genome position (GRCh38, 1-based): chr5:68,297,573, A>T. VCF-style: chr5-68297573-A-T. GRCh37 (hg19) VCF-style: chr5-67593401-A-T.
Other names: c.1058A>T, p.Tyr353Phe (NM_001242466.2); c.1337A>T, p.Tyr446Phe (NM_181504.4); c.1247A>T, p.Tyr416Phe (NM_181524.2); short protein forms Y716F, Y353F, Y416F, Y446F.
Identifiers: ClinVar variation 2930180 (VCV002930180.3), dbSNP rs1396261961, ClinGen allele CA359885884.

ClinVar aggregate classification (germline): Uncertain significance (1 of 4 stars; one submission).

Conditions:
SHORT syndrome. Also called: LIPODYSTROPHY, PARTIAL, WITH RIEGER ANOMALY AND SHORT STATURE; PIK3R1-Related SHORT Syndrome; SHORT STATURE, HYPEREXTENSIBILITY, HERNIA, OCULAR DEPRESSION, RIEGER ANOMALY, AND TEETHING DELAY. Identifiers: Orphanet 3163, MedGen C0878684, MONDO:0010026, OMIM 269880.
Agammaglobulinemia 7, autosomal recessive (AGM7). Also called: AGAMMAGLOBULINEMIA, AUTOSOMAL RECESSIVE, DUE TO PIK3R1 DEFECT. Identifiers: MedGen C3554689, MONDO:0014083, OMIM 615214.
Immunodeficiency 36 with lymphoproliferation. Also called: Immunodeficiency 36; ACTIVATED PI3K-DELTA SYNDROME 2; Activated PI3K Delta Syndrome Type 2 (APDS2). Identifiers: Orphanet 397596, Orphanet 693681, MedGen C4014934, MONDO:0014453, OMIM 616005.

Allele frequency attached by ClinVar (database versions not stated): gnomAD exomes below 0.00001; TOPMed below 0.00001; gnomAD 0.00001.
gnomAD v4.1: 4 of 1,613,932 alleles (0.00025%); highest among the groups gnomAD compares: Non-Finnish European, 0.00025%; no homozygotes.

Submission:

Labcorp Genetics (formerly Invitae), Labcorp
Classification: Uncertain significance for SHORT syndrome; Immunodeficiency 36 with lymphoproliferation; Agammaglobulinemia 7, autosomal recessive. Last evaluated: 2023-03-03. Review status: criteria provided, single submitter. Criteria: Invitae Variant Classification Sherloc (09022015). Collection method: clinical testing. Allele origin: germline.
Comment: In summary, the available evidence is currently insufficient to determine the role of this variant in disease. Therefore, it has been classified as a Variant of Uncertain Significance. Advanced modeling of protein sequence and biophysical properties (such as structural, functional, and spatial information, amino acid conservation, physicochemical variation, residue mobility, and thermodynamic stability) performed at Invitae indicates that this missense variant is not expected to disrupt PIK3R1 protein function. This variant has not been reported in the literature in individuals affected with PIK3R1-related conditions. This variant is not present in population databases (gnomAD no frequency). This sequence change replaces tyrosine, which is neutral and polar, with phenylalanine, which is neutral and non-polar, at codon 716 of the PIK3R1 protein (p.Tyr716Phe).